The following is an entry in ClinVar:

NM_004370.6(COL12A1):c.5878C>T (p.Pro1960Ser)

Gene: COL12A1 (collagen type XII alpha 1 chain; minus strand). Cytogenetic location: 6q13.
Variant type: single nucleotide variant.
Coding change: c.5878C>T on transcript NM_004370.6 (MANE Select); coding-DNA position 5878, C replaced by T.
Protein change: p.Pro1960Ser; replaces proline 1960 with serine.
Molecular consequence: missense variant.
Genome position (GRCh38, 1-based): chr6:75,131,999, G>A on the plus strand (C>T on the coding strand, the complement: COL12A1 is on the minus strand). VCF-style: chr6-75131999-G-A. GRCh37 (hg19) VCF-style: chr6-75841715-G-A.
Other names: c.5878C>T, p.Pro1960Ser (NM_001424113.1); c.5857C>T, p.Pro1953Ser (NM_001424114.1); c.5605C>T, p.Pro1869Ser (NM_001424115.1); c.2386C>T, p.Pro796Ser (NM_001424116.1, NM_080645.3); short protein forms P1869S, P1953S, P1960S, P796S.
Identifiers: ClinVar variation 4849146 (VCV004849146.1).

ClinVar aggregate classification (germline): Uncertain significance (1 of 4 stars; one submission).

gnomAD v4.1: 2 of 1,614,132 alleles (0.00012%); highest among the groups gnomAD compares: Non-Finnish European, 0.00017%; no homozygotes.

Submission:

Women's Health and Genetics/Laboratory Corporation of America, LabCorp
Classification: Uncertain significance. Last evaluated: 2026-04-22. Review status: criteria provided, single submitter. Criteria: LabCorp Variant Classification Summary - May 2015. Collection method: clinical testing. Allele origin: germline.
Comment: Variant summary: COL12A1 c.5878C>T (p.Pro1960Ser) results in a non-conservative amino acid change in the encoded protein sequence. Algorithms developed to predict the effect of missense changes on protein structure and function are either unavailable or do not agree on the potential impact of this missense change. The variant allele was found at a frequency of 4e-06 in 249352 control chromosomes (gnomAD). The available data on variant occurrences in the general population are insufficient to allow any conclusion about variant significance. c.5878C>T has been observed in an individual affected with an unclassified form of syndromic joint hypermobility (Leone_2023). This report does not provide unequivocal conclusions about association of the variant with Ullrich congenital muscular dystrophy 2. To our knowledge, no experimental evidence demonstrating an impact on protein function has been reported. The following publication has been ascertained in the context of this evaluation (PMID: 37079061). No submitters have cited clinical-significance assessments for this variant to ClinVar. Based on the evidence outlined above, the variant was classified as uncertain significance.

Literature cited by the submitters: PubMed 37079061.